The following is an entry in ClinVar:

NM_002016.2(FLG):c.2794C>A (p.Gln932Lys)

Genes: CCDST (cervical cancer associated DHX9 suppressive transcript; plus strand), FLG (filaggrin; minus strand). Cytogenetic location: 1q21.3.
Variant type: single nucleotide variant.
Coding change: c.2794C>A on transcript NM_002016.2 (MANE Select); coding-DNA position 2794, C replaced by A.
Protein change: p.Gln932Lys; replaces glutamine 932 with lysine.
Molecular consequence: missense variant.
Genome position (GRCh38, 1-based): chr1:152,312,092, G>T on the plus strand (C>A on the coding strand, the complement: FLG is on the minus strand). VCF-style: chr1-152312092-G-T. GRCh37 (hg19) VCF-style: chr1-152284568-G-T.
Other names: c.2794C>A (NM_002016.1); short protein forms Q932K.
Identifiers: ClinVar variation 1205999 (VCV001205999.4), dbSNP rs746611119, ClinGen allele CA1106986.
Genomic context (GRCh38, chr1:152,312,092, plus strand): 5'-TGTCACTGTCCTGGCTAACACTGGATCCCTGGCGCCTGCTTGTCCTGGACCCCTCTGATT[G>T]TCCCTGGCCTGCCTGTGAGTGTCTAGAGATGTCGGCATGAGAGGAAGCTTCATGGTGACG-3'
Protein context (NP_002007.1, residues 922-942): ISRHSQAGQG[Gln932Lys]SEGSRTSRRQ

ClinVar aggregate classification (germline): Uncertain significance. Review status: criteria provided, multiple submitters, no conflicts (2 of 4 stars). 4 submissions from 4 submitters: Uncertain significance (2). 2 of the submissions do not count toward it. Last evaluated 2026-03-26.

Conditions:
Inborn genetic diseases. Identifiers: MedGen C0950123, MeSH D030342.

Allele frequency attached by ClinVar (database versions not stated): ExAC 0.00002; gnomAD 0.00003 and 0.00001; gnomAD exomes 0.00004 and 0.00002; TOPMed 0.00005.
gnomAD v4.1: 66 of 1,613,960 alleles (0.0041%); highest among the groups gnomAD compares: Middle Eastern, 0.033%; no homozygotes.

Submissions (4):

GeneDx
Classification: Uncertain significance. Last evaluated: 2026-03-26. Review status: criteria provided, single submitter. Criteria: GeneDx Variant Classification Process June 2021. Collection method: clinical testing. Allele origin: germline.
Comment: In silico analysis suggests that this missense variant does not alter protein structure/function; Has not been previously published as pathogenic or benign to our knowledge

Ambry Genetics
Classification: Uncertain significance for Inborn genetic diseases. Last evaluated: 2024-02-06. Review status: criteria provided, single submitter. Criteria: Ambry Variant Classification Scheme 2023. Collection method: clinical testing. Allele origin: germline.

Clinical Genetics DNA and cytogenetics Diagnostics Lab, Erasmus MC, Erasmus Medical Center
Classification: Likely benign. Review status: no assertion criteria provided. Collection method: clinical testing. Allele origin: germline. Affected: yes. Study: VKGL Data-share Consensus. Not counted in ClinVar's aggregate classification.

Laboratory of Diagnostic Genome Analysis, Leiden University Medical Center (LUMC)
Classification: Likely benign. Review status: no assertion criteria provided. Collection method: clinical testing. Allele origin: germline. Affected: yes. Study: VKGL Data-share Consensus. Not counted in ClinVar's aggregate classification.